The following is an entry in ClinVar:

NM_002907.4(RECQL):c.430A>T (p.Met144Leu)

Gene: RECQL (RecQ like helicase; minus strand). Cytogenetic location: 12p12.1.
Variant type: single nucleotide variant.
Coding change: c.430A>T on transcript NM_002907.4 (MANE Select); coding-DNA position 430, A replaced by T.
Protein change: p.Met144Leu; replaces methionine 144 with leucine.
Molecular consequence: missense variant.
Genome position (GRCh38, 1-based): chr12:21,486,550, T>A on the plus strand (A>T on the coding strand, the complement: RECQL is on the minus strand). VCF-style: chr12-21486550-T-A. GRCh37 (hg19) VCF-style: chr12-21639484-T-A.
Other names: c.430A>T, p.Met144Leu (NM_032941.3); short protein forms M144L.
Identifiers: ClinVar variation 1396575 (VCV001396575.10), dbSNP rs544479400, ClinGen allele CA6479075.

ClinVar aggregate classification (germline): Uncertain significance. Review status: criteria provided, multiple submitters, no conflicts (2 of 4 stars). 2 submissions from 2 submitters: Uncertain significance (2). Last evaluated 2022-11-23.

Submissions (2):

Labcorp Genetics (formerly Invitae), Labcorp
Classification: Uncertain significance. Last evaluated: 2022-11-23. Review status: criteria provided, single submitter. Criteria: Invitae Variant Classification Sherloc (09022015). Collection method: clinical testing. Allele origin: germline.
Comment: This sequence change replaces methionine, which is neutral and non-polar, with leucine, which is neutral and non-polar, at codon 144 of the RECQL protein (p.Met144Leu). This variant is present in population databases (rs544479400, gnomAD 0.002%). This variant has not been reported in the literature in individuals affected with RECQL-related conditions. ClinVar contains an entry for this variant (Variation ID: 1396575). Advanced modeling of protein sequence and biophysical properties (such as structural, functional, and spatial information, amino acid conservation, physicochemical variation, residue mobility, and thermodynamic stability) performed at Invitae indicates that this missense variant is expected to disrupt RECQL protein function. In summary, the available evidence is currently insufficient to determine the role of this variant in disease. Therefore, it has been classified as a Variant of Uncertain Significance.

Ambry Genetics
Classification: Uncertain significance. Last evaluated: 2022-10-29. Review status: criteria provided, single submitter. Criteria: Ambry Variant Classification Scheme 2023. Collection method: clinical testing. Allele origin: germline.
Comment: The p.M144L variant (also known as c.430A>T), located in coding exon 4 of the RECQL gene, results from an A to T substitution at nucleotide position 430. The methionine at codon 144 is replaced by leucine, an amino acid with highly similar properties. This amino acid position is highly conserved in available vertebrate species. In addition, the in silico prediction for this alteration is inconclusive. Since supporting evidence is limited at this time, the clinical significance of this alteration remains unclear.